The following is an entry in ClinVar:

NM_203447.4(DOCK8):c.*743C>T

Gene: DOCK8 (dedicator of cytokinesis 8; plus strand). Cytogenetic location: 9p24.3.
Variant type: single nucleotide variant.
Coding change: c.*743C>T on transcript NM_203447.4 (MANE Select); 743 bases downstream of the stop codon, C replaced by T.
Molecular consequence: 3 prime UTR variant.
Genome position (GRCh38, 1-based): chr9:464,962, C>T. VCF-style: chr9-464962-C-T. GRCh37 (hg19) VCF-style: chr9-464962-C-T.
Other names: c.*743C>T (NM_001190458.2, NM_001193536.2).
Identifiers: ClinVar variation 913621 (VCV000913621.5), dbSNP rs117155264, ClinGen allele CA12977155.

ClinVar aggregate classification (germline): Benign. Review status: criteria provided, multiple submitters, no conflicts (2 of 4 stars). 2 submissions from 2 submitters: Benign (2). Last evaluated 2018-01-13.

Conditions:
Combined immunodeficiency due to DOCK8 deficiency (HIES2). Also called: HIES autosomal recessive; Hyper-IgE recurrent infection syndrome, autosomal recessive; HYPER-IgE SYNDROME 2, AUTOSOMAL RECESSIVE, WITH RECURRENT INFECTIONS; DOCK8 Deficiency; HYPER-IgE RECURRENT INFECTION SYNDROME 2, AUTOSOMAL RECESSIVE. Identifiers: Orphanet 217390, MedGen C4722305, MONDO:0009478, OMIM 243700.

Allele frequency attached by ClinVar (database versions not stated): 1000 Genomes Project 0.01398; 1000 Genomes Project 30x 0.01546; gnomAD 0.02632 and 0.02684; TOPMed 0.02926; gnomAD exomes 0.03358.
gnomAD v4.1: 4,060 of 152,832 alleles (2.7%); highest among the groups gnomAD compares: Admixed American, 4.5%; 78 homozygotes.

Submissions (2):

Illumina Laboratory Services, Illumina
Classification: Benign for Combined immunodeficiency due to DOCK8 deficiency. Last evaluated: 2018-01-13. Review status: criteria provided, single submitter. Criteria: ICSL Variant Classification Criteria 13 December 2019. Collection method: clinical testing. Allele origin: germline.
Comment: This variant was observed in the ICSL laboratory as part of a predisposition screen in an ostensibly healthy population. It had not been previously curated by ICSL or reported in the Human Gene Mutation Database (HGMD: prior to June 1st, 2018), and was therefore a candidate for classification through an automated scoring system. Utilizing variant allele frequency, disease prevalence and penetrance estimates, and inheritance mode, an automated score was calculated to assess if this variant is too frequent to cause the disease. Based on the score and internal cut-off values, a variant classified as benign is not then subjected to further curation. The score for this variant resulted in a classification of benign for this disease.

Breakthrough Genomics
Classification: Benign. Review status: criteria provided, single submitter. Criteria: ACMG Guidelines, 2015. Collection method: not provided. Allele origin: germline. Inheritance: Autosomal recessive inheritance. Affected: yes.